The following is an entry in ClinVar:

ClinVar aggregate classification (germline): Uncertain significance (1 of 4 stars; one submission).

Conditions:
Hereditary cancer-predisposing syndrome. Also called: Neoplastic Syndromes, Hereditary; Tumor predisposition; Hereditary Cancer Syndrome; Hereditary neoplastic syndrome. Identifiers: Orphanet 140162, MedGen C0027672, MeSH D009386, MONDO:0015356.

Submission:

Ambry Genetics
Classification: Uncertain significance for Hereditary cancer-predisposing syndrome. Last evaluated: 2022-07-25. Review status: criteria provided, single submitter. Criteria: Ambry Variant Classification Scheme 2023. Collection method: clinical testing. Allele origin: germline.
Comment: The p.Q121H variant (also known as c.363G>T), located in coding exon 1 of the GREM1 gene, results from a G to T substitution at nucleotide position 363. The glutamine at codon 121 is replaced by histidine, an amino acid with highly similar properties. This amino acid position is conserved. In addition, the in silico prediction for this alteration is inconclusive. Since supporting evidence is limited at this time, the clinical significance of this alteration remains unclear.

NM_013372.7(GREM1):c.363G>T (p.Gln121His)

Gene: GREM1 (gremlin 1, DAN family BMP antagonist; plus strand). Cytogenetic location: 15q13.3.
Variant type: single nucleotide variant.
Coding change: c.363G>T on transcript NM_013372.7 (MANE Select); coding-DNA position 363, G replaced by T.
Protein change: p.Gln121His; replaces glutamine 121 with histidine.
Molecular consequence: missense variant.
Genome position (GRCh38, 1-based): chr15:32,731,053, G>T. VCF-style: chr15-32731053-G-T. GRCh37 (hg19) VCF-style: chr15-33023254-G-T.
Other names: c.153G>T, p.Gln51His (NM_001191322.2); c.240G>T, p.Gln80His (NM_001191323.2); c.363G>T, p.Gln121His (NM_001368719.1); short protein forms Q121H, Q51H, Q80H.
Identifiers: ClinVar variation 1733497 (VCV001733497.2), dbSNP rs775520243, ClinGen allele CA391557777.